The following is an entry in ClinVar:

NM_001378454.1(ALMS1):c.4933T>C (p.Ser1645Pro)

Gene: ALMS1 (ALMS1 centrosome and basal body associated protein; plus strand). Cytogenetic location: 2p13.1.
Variant type: single nucleotide variant.
Coding change: c.4933T>C on transcript NM_001378454.1 (MANE Select); coding-DNA position 4933, T replaced by C.
Protein change: p.Ser1645Pro; replaces serine 1645 with proline.
Molecular consequence: missense variant.
Genome position (GRCh38, 1-based): chr2:73,451,460, T>C. VCF-style: chr2-73451460-T-C. GRCh37 (hg19) VCF-style: chr2-73678587-T-C.
Other names: c.4936T>C, p.Ser1646Pro (NM_015120.4); short protein forms S1646P, S1645P.
Identifiers: ClinVar variation 1744232 (VCV001744232.3), dbSNP rs558192754, ClinGen allele CA1713790.

ClinVar aggregate classification (germline): Uncertain significance. Review status: criteria provided, multiple submitters, no conflicts (2 of 4 stars). 2 submissions from 2 submitters: Uncertain significance (2). Last evaluated 2026-01-19.

Conditions:
Alstrom syndrome (ALMS). Identifiers: Orphanet 64, MedGen C0268425, MONDO:0008763, OMIM 203800.
Cardiovascular phenotype. Identifiers: MedGen CN230736.

Allele frequency attached by ClinVar (database versions not stated): gnomAD 0.00001; ExAC 0.00002; 1000 Genomes Project 30x 0.00016; 1000 Genomes Project 0.00020.
gnomAD v4.1: 7 of 1,614,098 alleles (0.00043%); highest among the groups gnomAD compares: East Asian, 0.016%; no homozygotes.

Submissions (2):

Labcorp Genetics (formerly Invitae), Labcorp
Classification: Uncertain significance for Alstrom syndrome. Last evaluated: 2026-01-19. Review status: criteria provided, single submitter. Criteria: Invitae Variant Classification Sherloc (09022015). Collection method: clinical testing. Allele origin: germline.
Comment: This sequence change replaces serine, which is neutral and polar, with proline, which is neutral and non-polar, at codon 1646 of the ALMS1 protein (p.Ser1646Pro). This variant is present in population databases (rs558192754, gnomAD 0.02%). This variant has not been reported in the literature in individuals affected with ALMS1-related conditions. ClinVar contains an entry for this variant (Variation ID: 1744232). Experimental studies and prediction algorithms are not available or were not evaluated, and the functional significance of this variant is currently unknown. In summary, the available evidence is currently insufficient to determine the role of this variant in disease. Therefore, it has been classified as a Variant of Uncertain Significance.

Ambry Genetics
Classification: Uncertain significance for Cardiovascular phenotype. Last evaluated: 2020-06-01. Review status: criteria provided, single submitter. Criteria: Ambry Variant Classification Scheme 2023. Collection method: clinical testing. Allele origin: germline.
Comment: The p.S1646P variant (also known as c.4936T>C), located in coding exon 8 of the ALMS1 gene, results from a T to C substitution at nucleotide position 4936. The serine at codon 1646 is replaced by proline, an amino acid with similar properties. This amino acid position is well conserved in available vertebrate species; however, proline is the reference amino acid in other vertebrate species. In addition, this alteration is predicted to be tolerated by in silico analysis. Since supporting evidence is limited at this time, the clinical significance of this alteration remains unclear.